The following is an entry in ClinVar:

NM_001330078.2(NRXN1):c.4261G>A (p.Ala1421Thr)

Gene: NRXN1 (neurexin 1; minus strand). Cytogenetic location: 2p16.3.
Variant type: single nucleotide variant.
Coding change: c.4261G>A on transcript NM_001330078.2 (MANE Select); coding-DNA position 4261, G replaced by A.
Protein change: p.Ala1421Thr; replaces alanine 1421 with threonine.
Molecular consequence: missense variant.
Genome position (GRCh38, 1-based): chr2:49,922,207, C>T on the plus strand (G>A on the coding strand, the complement: NRXN1 is on the minus strand). VCF-style: chr2-49922207-C-T. GRCh37 (hg19) VCF-style: chr2-50149345-C-T.
Other names: c.4381G>A, p.Ala1461Thr (NM_001135659.3); c.166G>A, p.Ala56Thr (NM_001320156.4); c.157G>A, p.Ala53Thr (NM_001320157.4); c.4237G>A, p.Ala1413Thr (NM_001330077.2); c.4228G>A, p.Ala1410Thr (NM_001330082.2); c.4096G>A, p.Ala1366Thr (NM_001330083.2); c.4195G>A, p.Ala1399Thr (NM_001330084.2); c.4234G>A, p.Ala1412Thr (NM_001330085.2); and 12 more; short protein forms A1361T, A1366T, A1399T, A1413T, A1414T, A1412T, A353T, A383T.
Identifiers: ClinVar variation 2117925 (VCV002117925.4), dbSNP rs2465626416, ClinGen allele CA346818734.

ClinVar aggregate classification (germline): Uncertain significance (1 of 4 stars; one submission).

Conditions:
Pitt-Hopkins-like syndrome 2 (PTHSL2). Identifiers: Orphanet 221150, Orphanet 600663, MedGen C3280479, MONDO:0013690, OMIM 614325.

Submission:

Labcorp Genetics (formerly Invitae), Labcorp
Classification: Uncertain significance for Pitt-Hopkins-like syndrome 2. Last evaluated: 2023-10-18. Review status: criteria provided, single submitter. Criteria: Invitae Variant Classification Sherloc (09022015). Collection method: clinical testing. Allele origin: germline.
Comment: This sequence change replaces alanine, which is neutral and non-polar, with threonine, which is neutral and polar, at codon 1461 of the NRXN1 protein (p.Ala1461Thr). This variant is not present in population databases (gnomAD no frequency). This variant has not been reported in the literature in individuals affected with NRXN1-related conditions. ClinVar contains an entry for this variant (Variation ID: 2117925). Advanced modeling of protein sequence and biophysical properties (such as structural, functional, and spatial information, amino acid conservation, physicochemical variation, residue mobility, and thermodynamic stability) performed at Invitae indicates that this missense variant is not expected to disrupt NRXN1 protein function. In summary, the available evidence is currently insufficient to determine the role of this variant in disease. Therefore, it has been classified as a Variant of Uncertain Significance.